The following is an entry in ClinVar:

NM_001164508.2(NEB):c.23418G>T (p.Gln7806His)

Genes: RIF1 (replication timing regulatory factor 1; plus strand), NEB (nebulin; minus strand). Cytogenetic location: 2q23.3.
Variant type: single nucleotide variant.
Coding change: c.23418G>T on transcript NM_001164508.2 (MANE Select); coding-DNA position 23418, G replaced by T.
Protein change: p.Gln7806His; replaces glutamine 7806 with histidine.
Molecular consequence: missense variant.
Genome position (GRCh38, 1-based): chr2:151,508,038, C>A on the plus strand (G>T on the coding strand, the complement: NEB is on the minus strand). VCF-style: chr2-151508038-C-A. GRCh37 (hg19) VCF-style: chr2-152364552-C-A.
Other names: c.23418G>T, p.Gln7806His (NM_001164507.2); c.23523G>T, p.Gln7841His (NM_001271208.2); c.18315G>T, p.Gln6105His (NM_004543.5); short protein forms Q6105H, Q7841H, Q7806H.
Identifiers: ClinVar variation 521698 (VCV000521698.24), dbSNP rs765789028, ClinGen allele CA1906360.

ClinVar aggregate classification (germline): Conflicting classifications of pathogenicity. Review status: criteria provided, conflicting classifications (1 of 4 stars). 5 submissions from 5 submitters: Uncertain significance (4); Likely benign (1). Last evaluated 2026-01-19.

Conditions:
Inborn genetic diseases. Identifiers: MedGen C0950123, MeSH D030342.
Nemaline myopathy 2 (NEM2). Also called: Nemaline myopathy 2, autosomal recessive. Identifiers: MedGen C1850569, MONDO:0009725, OMIM 256030.

Allele frequency attached by ClinVar (database versions not stated): TOPMed 0.00023; gnomAD exomes 0.00044; ExAC 0.00053.
gnomAD v4.1: 134 of 1,610,698 alleles (0.0083%); highest among the groups gnomAD compares: Admixed American, 0.22%; no homozygotes.

Submissions (5):

Labcorp Genetics (formerly Invitae), Labcorp
Classification: Likely benign for Nemaline myopathy 2. Last evaluated: 2026-01-19. Review status: criteria provided, single submitter. Criteria: Invitae Variant Classification Sherloc (09022015). Collection method: clinical testing. Allele origin: germline.

GeneDx
Classification: Uncertain significance. Last evaluated: 2024-07-25. Review status: criteria provided, single submitter. Criteria: GeneDx Variant Classification Process June 2021. Collection method: clinical testing. Allele origin: germline. Affected: yes.
Comment: In silico analysis supports that this missense variant has a deleterious effect on protein structure/function; Has not been previously published as pathogenic or benign to our knowledge

Revvity Omics, Revvity
Classification: Uncertain significance. Last evaluated: 2023-01-18. Review status: criteria provided, single submitter. Criteria: ACMG Guidelines, 2015. Collection method: clinical testing. Allele origin: germline.

Illumina Laboratory Services, Illumina
Classification: Uncertain significance for Nemaline myopathy 2. Last evaluated: 2018-01-13. Review status: criteria provided, single submitter. Criteria: ICSL Variant Classification Criteria 13 December 2019. Collection method: clinical testing. Allele origin: germline.

Ambry Genetics
Classification: Uncertain significance for Inborn genetic diseases. Last evaluated: 2017-04-11. Review status: criteria provided, single submitter. Criteria: Ambry exome assertion method (8-5-2015). Collection method: clinical testing. Allele origin: germline. Affected: yes. Observed: 1 variant allele.